The following is an entry in ClinVar:

NM_004974.4(KCNA2):c.73C>T (p.Pro25Ser)

Gene: KCNA2 (potassium voltage-gated channel subfamily A member 2; minus strand). Cytogenetic location: 1p13.3.
Variant type: single nucleotide variant.
Coding change: c.73C>T on transcript NM_004974.4 (MANE Select); coding-DNA position 73, C replaced by T.
Protein change: p.Pro25Ser; replaces proline 25 with serine.
Molecular consequence: missense variant.
Genome position (GRCh38, 1-based): chr1:110,604,710, G>A on the plus strand (C>T on the coding strand, the complement: KCNA2 is on the minus strand). VCF-style: chr1-110604710-G-A. GRCh37 (hg19) VCF-style: chr1-111147332-G-A.
Other names: c.73C>T, p.Pro25Ser (NM_001204269.2); short protein forms P25S.
Identifiers: ClinVar variation 4691219 (VCV004691219.1).

ClinVar aggregate classification (germline): Uncertain significance (1 of 4 stars; one submission).

Conditions:
Developmental and epileptic encephalopathy, 32 (DEE32). Also called: Epileptic encephalopathy, early infantile, 32. Identifiers: Orphanet 442835, MedGen C4225350, MONDO:0014607, OMIM 616366.

gnomAD v4.1: 1 of 1,614,146 alleles (0.000062%); highest among the groups gnomAD compares: Non-Finnish European, 0.000085%; no homozygotes.

Submission:

Labcorp Genetics (formerly Invitae), Labcorp
Classification: Uncertain significance for Developmental and epileptic encephalopathy, 32. Last evaluated: 2025-09-27. Review status: criteria provided, single submitter. Criteria: Invitae Variant Classification Sherloc (09022015). Collection method: clinical testing. Allele origin: germline.
Comment: This sequence change replaces proline, which is neutral and non-polar, with serine, which is neutral and polar, at codon 25 of the KCNA2 protein (p.Pro25Ser). This variant is not present in population databases (gnomAD no frequency). This variant has not been reported in the literature in individuals affected with KCNA2-related conditions. Invitae Evidence Modeling of protein sequence and biophysical properties (such as structural, functional, and spatial information, amino acid conservation, physicochemical variation, residue mobility, and thermodynamic stability) indicates that this missense variant is not expected to disrupt KCNA2 protein function with a negative predictive value of 95%. In summary, the available evidence is currently insufficient to determine the role of this variant in disease. Therefore, it has been classified as a Variant of Uncertain Significance.